The following is an entry in ClinVar:

ClinVar aggregate classification (germline): Uncertain significance (1 of 4 stars; one submission).

Conditions:
Combined oxidative phosphorylation defect type 14. Also called: Combined oxidative phosphorylation deficiency 14. Identifiers: Orphanet 319519, MedGen C4755312, MONDO:0013986, OMIM 614946.

Submission:

Labcorp Genetics (formerly Invitae), Labcorp
Classification: Uncertain significance for Combined oxidative phosphorylation defect type 14. Last evaluated: 2022-08-05. Review status: criteria provided, single submitter. Criteria: Invitae Variant Classification Sherloc (09022015). Collection method: clinical testing. Allele origin: germline.
Comment: In summary, the available evidence is currently insufficient to determine the role of this variant in disease. Therefore, it has been classified as a Variant of Uncertain Significance. This sequence change replaces leucine, which is neutral and non-polar, with histidine, which is basic and polar, at codon 398 of the FARS2 protein (p.Leu398His). This variant is not present in population databases (gnomAD no frequency). This variant has not been reported in the literature in individuals affected with FARS2-related conditions. Advanced modeling of protein sequence and biophysical properties (such as structural, functional, and spatial information, amino acid conservation, physicochemical variation, residue mobility, and thermodynamic stability) performed at Invitae indicates that this missense variant is expected to disrupt FARS2 protein function.

NM_006567.5(FARS2):c.1193T>A (p.Leu398His)

Gene: FARS2 (phenylalanyl-tRNA synthetase 2, mitochondrial; plus strand). Cytogenetic location: 6p25.1.
Variant type: single nucleotide variant.
Coding change: c.1193T>A on transcript NM_006567.5 (MANE Select); coding-DNA position 1193, T replaced by A.
Protein change: p.Leu398His; replaces leucine 398 with histidine.
Molecular consequence: missense variant.
Genome position (GRCh38, 1-based): chr6:5,613,296, T>A. VCF-style: chr6-5613296-T-A. GRCh37 (hg19) VCF-style: chr6-5613529-T-A.
Other names: c.1061T>A, p.Leu354His (NM_001375258.1); c.497T>A, p.Leu166His (NM_001375259.1, NM_001375260.1); c.1193T>A, p.Leu398His (NM_001318872.2, NM_001374875.1, NM_001374876.1 and 4 more transcripts); short protein forms L166H, L354H, L398H.
Identifiers: ClinVar variation 1715128 (VCV001715128.5), dbSNP rs2532774918, ClinGen allele CA362737026.